The following is an entry in ClinVar:

NM_000388.4(CASR):c.1209T>G (p.Ser403Arg)

Gene: CASR (calcium sensing receptor; plus strand). Cytogenetic location: 3q21.1.
Variant type: single nucleotide variant.
Coding change: c.1209T>G on transcript NM_000388.4 (MANE Select); coding-DNA position 1209, T replaced by G.
Protein change: p.Ser403Arg; replaces serine 403 with arginine.
Molecular consequence: missense variant.
Genome position (GRCh38, 1-based): chr3:122,262,244, T>G. VCF-style: chr3-122262244-T-G. GRCh37 (hg19) VCF-style: chr3-121981091-T-G.
Other names: c.1209T>G, p.Ser403Arg (NM_001178065.2); short protein forms S403R.
Identifiers: ClinVar variation 1419010 (VCV001419010.6), dbSNP rs387907400, ClinGen allele CA354152825.

ClinVar aggregate classification (germline): Uncertain significance (1 of 4 stars; one submission).

Conditions:
Autosomal dominant hypocalcemia 1 (HYPOC1). Also called: HYPOCALCEMIA, FAMILIAL. Identifiers: MedGen C3715128, MONDO:0011013, OMIM 601198.
Familial hypocalciuric hypercalcemia (FHH). Also called: Familial benign hypercalcemia. Identifiers: Orphanet 405, MedGen C1809471, MONDO:0018458.

Allele frequency attached by ClinVar (database versions not stated): gnomAD exomes below 0.00001.
gnomAD v4.1: 3 of 1,614,158 alleles (0.00019%); highest among the groups gnomAD compares: Non-Finnish European, 0.00025%; no homozygotes.

Submission:

Labcorp Genetics (formerly Invitae), Labcorp
Classification: Uncertain significance for Familial hypocalciuric hypercalcemia; Autosomal dominant hypocalcemia 1. Last evaluated: 2021-07-30. Review status: criteria provided, single submitter. Criteria: Invitae Variant Classification Sherloc (09022015). Collection method: clinical testing. Allele origin: germline.
Comment: In summary, the available evidence is currently insufficient to determine the role of this variant in disease. Therefore, it has been classified as a Variant of Uncertain Significance. Algorithms developed to predict the effect of missense changes on protein structure and function (SIFT, PolyPhen-2, Align-GVGD) all suggest that this variant is likely to be disruptive. This variant has not been reported in the literature in individuals affected with CASR-related conditions. This variant is not present in population databases (ExAC no frequency). This sequence change replaces serine with arginine at codon 403 of the CASR protein (p.Ser403Arg). The serine residue is highly conserved and there is a moderate physicochemical difference between serine and arginine.